The following is an entry in ClinVar:

ClinVar aggregate classification (germline): Uncertain significance (1 of 4 stars; one submission).

Conditions:
Developmental and epileptic encephalopathy, 2 (DEE2). Also called: INFANTILE SPASM SYNDROME, X-LINKED 2; CDKL5 deficiency disorder. Identifiers: Orphanet 1934, Orphanet 3451, Orphanet 505652, MedGen C4750718, MONDO:0010396, OMIM 300672.

gnomAD v4.1: 1 of 1,614,114 alleles (0.000062%); highest among the groups gnomAD compares: South Asian, 0.0011%; no homozygotes.

Submission:

MGZ Medical Genetics Center
Classification: Uncertain significance for Developmental and epileptic encephalopathy, 2. Last evaluated: 2021-12-06. Review status: criteria provided, single submitter. Criteria: ACMG Guidelines, 2015. Collection method: clinical testing. Allele origin: germline. Affected: yes. Observed: 2 variant alleles.
Comment: ACMG criteria applied: PM2_SUP, PP2, PP3

NM_001690.4(ATP6V1A):c.524C>T (p.Thr175Ile)

Gene: ATP6V1A (ATPase H+ transporting V1 subunit A; plus strand). Cytogenetic location: 3q13.31.
Variant type: single nucleotide variant.
Coding change: c.524C>T on transcript NM_001690.4 (MANE Select); coding-DNA position 524, C replaced by T.
Protein change: p.Thr175Ile; replaces threonine 175 with isoleucine.
Molecular consequence: missense variant.
Genome position (GRCh38, 1-based): chr3:113,784,793, C>T. VCF-style: chr3-113784793-C-T. GRCh37 (hg19) VCF-style: chr3-113503640-C-T.
Other names: short protein forms T175I.
Identifiers: ClinVar variation 1708982 (VCV001708982.2), dbSNP rs752698604, ClinGen allele CA354009742.
Genomic context (GRCh38, chr3:113,784,793, plus strand): 5'-TTGTCAGTGAGAACTCGCTTATCAAACACAAAATCATGTTACCCCCACGAAACAGAGGAA[C>T]TGTAACTTACATTGCTCCACCTGGGAATTATGATACCTCTGTAAGTATCATTTGAACTTT-3'
Protein context (NP_001681.2, residues 165-185): KIMLPPRNRG[Thr175Ile]VTYIAPPGNY